The following is an entry in ClinVar:

NM_000277.3(PAH):c.1301C>A (p.Ala434Asp)

Gene: PAH (phenylalanine hydroxylase; minus strand). Cytogenetic location: 12q23.2.
Variant type: single nucleotide variant.
Coding change: c.1301C>A on transcript NM_000277.3 (MANE Select); coding-DNA position 1301, C replaced by A.
Protein change: p.Ala434Asp; replaces alanine 434 with aspartic acid.
Molecular consequence: missense variant.
Genome position (GRCh38, 1-based): chr12:102,840,414, G>T on the plus strand (C>A on the coding strand, the complement: PAH is on the minus strand). VCF-style: chr12-102840414-G-T. GRCh37 (hg19) VCF-style: chr12-103234192-G-T.
Other names: NM_000277.2(PAH):c.1301C>A; p.Ala434Asp; c.1301C>A, p.Ala434Asp (NM_001354304.2); short protein forms A434D.
Identifiers: ClinVar variation 102586 (VCV000102586.21), dbSNP rs199475659, ClinGen allele CA229427.

ClinVar aggregate classification (germline): Pathogenic. Review status: reviewed by expert panel (3 of 4 stars). 8 submissions from 8 submitters: Pathogenic (1). 7 of the submissions do not count toward it. Last evaluated 2023-12-30.

Conditions:
Phenylketonuria (PKU). Also called: Phenylketonuria (PKU); FOLLING DISEASE; OLIGOPHRENIA PHENYLPYRUVICA; Phenylketonurias. Identifiers: Orphanet 716, MedGen C0031485, MONDO:0009861, OMIM 261600. Disease mechanism: loss of function.

Allele frequency attached by ClinVar (database versions not stated): TOPMed 0.00003.

Submissions (8):

ClinGen PAH Variant Curation Expert Panel
Classification: Pathogenic for Phenylketonuria. Last evaluated: 2023-12-30. Review status: reviewed by expert panel. Criteria: ClinGen PAH ACMG Specifications v1. Collection method: curation. Allele origin: germline. Inheritance: Autosomal recessive inheritance.
Comment: The c.1301C>A (p.Ala434Asp) variant in PAH has been reported in multiple individuals with PAH deficiency (BH4 deficiency excluded). PMID: 16256386, 21147011). This variant is absent in population databases. Residual enzyme activity of the p.A434D mutant is 21.7% of wild type, and the formation and stability of the PAH protein was affected (PMID: 18247293). This variant was detected with pathogenic variants: p.R252Q, p.R243Q (PMID: 16256386); p.E390G, p.R261Q (PMID: 21147011); p.R243Q (3 patients); IVS4-1G>A (2 patients); p.E280K, p.R111X (PMID: 23932990). Multiple lines of computational evidence support a deleterious effect. In summary, this variant meets criteria to be classified as pathogenic for PAH. PAH-specific ACMG/AMP criteria applied: PM3_very-strong, PP4_Moderate, PS3_supporting, PM2_supporting, PP3.

Victorian Clinical Genetics Services, Murdoch Childrens Research Institute
Classification: Pathogenic for Phenylketonuria. Last evaluated: 2025-11-14. Review status: criteria provided, single submitter. Criteria: ACMG Guidelines, 2015. Collection method: clinical testing. Allele origin: germline. Affected: yes. Not counted in ClinVar's aggregate classification.
Comment: This variant is classified as Pathogenic. Evidence in support of pathogenic classification: Variant is absent from gnomAD (v2, v3 and v4); This variant has strong previous evidence of pathogenicity in unrelated individuals. This variant has been classified as pathogenic by the ClinGen PAH Variant Curation Expert Panel (ClinVar); Missense variant predicted to be damaging by in silico tool(s) or highly conserved with a major amino acid change. Additional information: Variant is predicted to result in a missense amino acid change from Ala to Asp; This variant is heterozygous; This gene is associated with autosomal recessive disease; Alternative amino acid change(s) at the same position are present in gnomAD (v4: 1 heterozygote(s), 0 homozygote(s)); Loss of function is a known mechanism of disease in this gene and is associated with phenylketonuria (MIM#261600); Heterozygous variant detected in trans with a second PATHOGENIC heterozygous variant (NM_000277.3(PAH):c.1222C>T; p.(Arg408Trp)) in a recessive disease by analysis using Integrative Genomics Viewer (IGV) software; Inheritance information for this variant is not currently available in this individual.

Labcorp Genetics (formerly Invitae), Labcorp
Classification: Pathogenic for Phenylketonuria. Last evaluated: 2024-07-12. Review status: criteria provided, single submitter. Criteria: Invitae Variant Classification Sherloc (09022015). Collection method: clinical testing. Allele origin: germline. Not counted in ClinVar's aggregate classification.
Comment: This sequence change replaces alanine, which is neutral and non-polar, with aspartic acid, which is acidic and polar, at codon 434 of the PAH protein (p.Ala434Asp). This variant is not present in population databases (gnomAD no frequency). This missense change has been observed in individual(s) with phenylketonuria (PMID: 16256386, 18247293, 24401910, 27264808, 29499199). ClinVar contains an entry for this variant (Variation ID: 102586). Advanced modeling of protein sequence and biophysical properties (such as structural, functional, and spatial information, amino acid conservation, physicochemical variation, residue mobility, and thermodynamic stability) performed at Invitae indicates that this missense variant is not expected to disrupt PAH protein function with a negative predictive value of 80%. Experimental studies have shown that this missense change affects PAH function (PMID: 30037505). For these reasons, this variant has been classified as Pathogenic.

Juno Genomics, Hangzhou Juno Genomics, Inc
Classification: Pathogenic for Phenylketonuria. Review status: criteria provided, single submitter. Criteria: ACMG Guidelines, 2015. Collection method: clinical testing. Allele origin: germline. Affected: yes. Not counted in ClinVar's aggregate classification.
Comment: Absent from controls (or at extremely low frequency if recessive) in Genome Aggregation Database, Exome Sequencing Project, 1000 Genomes Project, or Exome Aggregation Consortium.;Well-established in vitro or in vivo functional studies supportive of a damaging effect on the gene or gene product.;For recessive disorders, detected in trans with a pathogenic variant.

Clinical Laboratory, Xuzhou Maternity and Child Health Care Hospital
Classification: Pathogenic for Phenylketonuria. Last evaluated: 2026-08-28. Review status: no assertion criteria provided. Collection method: clinical testing. Allele origin: germline. Affected: yes. Not counted in ClinVar's aggregate classification.

Natera, Inc.
Classification: Pathogenic for Phenylketonuria. Last evaluated: 2021-07-29. Review status: no assertion criteria provided. Collection method: clinical testing. Allele origin: germline. Not counted in ClinVar's aggregate classification.

Counsyl
Classification: Likely pathogenic for Phenylketonuria. Last evaluated: 2014-10-13. Review status: no assertion criteria provided. Collection method: literature only. Allele origin: unknown. Inheritance: Autosomal recessive inheritance. Not counted in ClinVar's aggregate classification.

DeBelle Laboratory for Biochemical Genetics, MUHC/MCH RESEARCH INSTITUTE
No classification provided. Review status: no classification provided. Collection method: not provided. Allele origin: not provided. Not counted in ClinVar's aggregate classification.

Literature cited by the submitters: PubMed 21147011 (cited by ClinGen PAH Variant Curation Expert Panel); PubMed 16256386 (cited by 3 submitters); PubMed 18247293 (cited by 3 submitters); PubMed 24401910 (cited by Labcorp Genetics (formerly Invitae), Labcorp and Counsyl); PubMed 27264808 (cited by Labcorp Genetics (formerly Invitae), Labcorp); PubMed 29499199 (cited by Labcorp Genetics (formerly Invitae), Labcorp); PubMed 30037505 (cited by Labcorp Genetics (formerly Invitae), Labcorp); PubMed 19147918 (cited by Counsyl); PubMed 17924342 (cited by Counsyl); PubMed 21811977 (cited by Counsyl); PubMed 19099685 (cited by Counsyl); PubMed 23932990 (cited by Counsyl).